The following is an entry in ClinVar:

NM_006005.3(WFS1):c.682C>T (p.Arg228Cys)

Gene: WFS1 (wolframin ER transmembrane glycoprotein; plus strand). Cytogenetic location: 4p16.1.
Variant type: single nucleotide variant.
Coding change: c.682C>T on transcript NM_006005.3 (MANE Select); coding-DNA position 682, C replaced by T.
Protein change: p.Arg228Cys; replaces arginine 228 with cysteine.
Molecular consequence: missense variant.
Genome position (GRCh38, 1-based): chr4:6,291,967, C>T. VCF-style: chr4-6291967-C-T. GRCh37 (hg19) VCF-style: chr4-6293694-C-T.
Other names: p.Arg228Cys; c.682C>T, p.Arg228Cys (NM_001145853.1); short protein forms R228C, R228W.
Identifiers: ClinVar variation 3250140 (VCV003250140.7).

ClinVar aggregate classification (germline): Uncertain significance. Review status: criteria provided, multiple submitters, no conflicts (2 of 4 stars). 5 submissions from 5 submitters: Uncertain significance (4). 1 of the submissions does not count toward it. Last evaluated 2025-12-12.

Conditions:
Inborn genetic diseases. Identifiers: MedGen C0950123, MeSH D030342.
Optic atrophy. Identifiers: MedGen C0029124, MONDO:0003608, HP:0000648.

gnomAD v4.1: 7 of 1,610,514 alleles (0.00043%); highest among the groups gnomAD compares: Admixed American, 0.0033%; no homozygotes.

Submissions (5):

Dasa
Classification: Uncertain significance. Last evaluated: 2025-12-12. Review status: criteria provided, single submitter. Criteria: DASA Assertion Criteria. Collection method: clinical testing. Allele origin: germline.
Comment: NM_006005.3(WFS1):c.682C>T (p.Arg228Cys) is a missense variant that results in the substitution of arginine with cysteine. This variant is rare in population databases. Computational prediction algorithms are consistent with a deleterious effect. The currently available literature and clinical evidence are not sufficient to establish a definitive association between this variant and the reported condition. Therefore, this variant is classified as a variant of uncertain significance.

Ambry Genetics
Classification: Uncertain significance for Inborn genetic diseases. Last evaluated: 2025-04-12. Review status: criteria provided, single submitter. Criteria: Ambry Variant Classification Scheme 2023. Collection method: clinical testing. Allele origin: germline.

Labcorp Genetics (formerly Invitae), Labcorp
Classification: Uncertain significance. Last evaluated: 2024-11-13. Review status: criteria provided, single submitter. Criteria: Invitae Variant Classification Sherloc (09022015). Collection method: clinical testing. Allele origin: germline.
Comment: This sequence change replaces arginine, which is basic and polar, with cysteine, which is neutral and slightly polar, at codon 228 of the WFS1 protein (p.Arg228Cys). The frequency data for this variant in the population databases is considered unreliable, as metrics indicate poor data quality at this position in the gnomAD database. This variant has not been reported in the literature in individuals affected with WFS1-related conditions. Invitae Evidence Modeling of protein sequence and biophysical properties (such as structural, functional, and spatial information, amino acid conservation, physicochemical variation, residue mobility, and thermodynamic stability) indicates that this missense variant is not expected to disrupt WFS1 protein function with a negative predictive value of 80%. In summary, the available evidence is currently insufficient to determine the role of this variant in disease. Therefore, it has been classified as a Variant of Uncertain Significance.

Mayo Clinic Laboratories, Mayo Clinic
Classification: Uncertain significance. Last evaluated: 2024-09-13. Review status: criteria provided, single submitter. Criteria: ACMG Guidelines, 2015. Collection method: clinical testing. Allele origin: germline. Observed: 1 variant allele.
Comment: PP3, PM2

Institute of Human Genetics, Univ. Regensburg, Univ. Regensburg
Classification: Uncertain significance for Optic atrophy. Last evaluated: 2023-01-01. Review status: no assertion criteria provided. Criteria: ACMG Guidelines, 2015. Collection method: clinical testing. Allele origin: germline. Affected: yes. Not counted in ClinVar's aggregate classification.